The following is an entry in ClinVar:

NM_017617.5(NOTCH1):c.5624A>G (p.Asn1875Ser)

Gene: NOTCH1 (notch receptor 1; minus strand). Cytogenetic location: 9q34.3.
Variant type: single nucleotide variant.
Coding change: c.5624A>G on transcript NM_017617.5 (MANE Select); coding-DNA position 5624, A replaced by G.
Protein change: p.Asn1875Ser; replaces asparagine 1875 with serine.
Molecular consequence: missense variant.
Genome position (GRCh38, 1-based): chr9:136,501,762, T>C on the plus strand (A>G on the coding strand, the complement: NOTCH1 is on the minus strand). VCF-style: chr9-136501762-T-C. GRCh37 (hg19) VCF-style: chr9-139396214-T-C.
Other names: short protein forms N1875S.
Identifiers: ClinVar variation 1723042 (VCV001723042.2), dbSNP rs2133328514, ClinGen allele CA375638886.

ClinVar aggregate classification (germline): Likely pathogenic (1 of 4 stars; one submission).

Allele frequency attached by ClinVar (database versions not stated): gnomAD exomes below 0.00001; gnomAD 0.00001.
gnomAD v4.1: 2 of 1,611,964 alleles (0.00012%); highest among the groups gnomAD compares: East Asian, 0.0022%; no homozygotes.

Submission:

GeneDx
Classification: Likely pathogenic. Last evaluated: 2022-04-28. Review status: criteria provided, single submitter. Criteria: GeneDx Variant Classification Process June 2021. Collection method: clinical testing. Allele origin: germline. Affected: yes.
Comment: Published functional studies suggest a damaging effect resulting in reduced NOTCH1 signaling (Page et al., 2019); Not observed at significant frequency in large population cohorts (gnomAD); In silico analysis supports that this missense variant has a deleterious effect on protein structure/function; This variant is associated with the following publications: (PMID: 30582441, 30763217)